The following is an entry in ClinVar:

ClinVar aggregate classification (germline): Uncertain significance (1 of 4 stars; one submission).

Submission:

Labcorp Genetics (formerly Invitae), Labcorp
Classification: Uncertain significance. Last evaluated: 2022-10-26. Review status: criteria provided, single submitter. Criteria: Invitae Variant Classification Sherloc (09022015). Collection method: clinical testing. Allele origin: germline.
Comment: This variant has not been reported in the literature in individuals affected with ADCY10-related conditions. This variant is not present in population databases (gnomAD no frequency). This sequence change replaces glutamine, which is neutral and polar, with histidine, which is basic and polar, at codon 283 of the ADCY10 protein (p.Gln283His). Algorithms developed to predict the effect of missense changes on protein structure and function (SIFT, PolyPhen-2, Align-GVGD) all suggest that this variant is likely to be tolerated. In summary, the available evidence is currently insufficient to determine the role of this variant in disease. Therefore, it has been classified as a Variant of Uncertain Significance.

NM_018417.6(ADCY10):c.849G>C (p.Gln283His)

Genes: DCAF6 (DDB1 and CUL4 associated factor 6; plus strand), ADCY10 (adenylate cyclase 10; minus strand). Cytogenetic location: 1q24.2.
Variant type: single nucleotide variant.
Coding change: c.849G>C on transcript NM_018417.6 (MANE Select); coding-DNA position 849, G replaced by C.
Protein change: p.Gln283His; replaces glutamine 283 with histidine.
Molecular consequence: missense variant.
Genome position (GRCh38, 1-based): chr1:167,883,608, C>G on the plus strand (G>C on the coding strand, the complement: ADCY10 is on the minus strand). VCF-style: chr1-167883608-C-G. GRCh37 (hg19) VCF-style: chr1-167852846-C-G.
Other names: c.390G>C, p.Gln130His (NM_001167749.3); c.573G>C, p.Gln191His (NM_001297772.2); short protein forms Q130H, Q191H, Q283H.
Identifiers: ClinVar variation 1722186 (VCV001722186.5), dbSNP rs2525782573, ClinGen allele CA343100757.